The following is an entry in ClinVar:

ClinVar aggregate classification (germline): Uncertain significance (1 of 4 stars; one submission).

Submission:

Labcorp Genetics (formerly Invitae), Labcorp
Classification: Uncertain significance. Last evaluated: 2025-12-01. Review status: criteria provided, single submitter. Criteria: Invitae Variant Classification Sherloc (09022015). Collection method: clinical testing. Allele origin: germline.
Comment: This sequence change replaces glutamine, which is neutral and polar, with histidine, which is basic and polar, at codon 799 of the FN1 protein (p.Gln799His). This variant is not present in population databases (gnomAD no frequency). This variant has not been reported in the literature in individuals affected with FN1-related conditions. ClinVar contains an entry for this variant (Variation ID: 2982029). An algorithm developed to predict the effect of missense changes on protein structure and function (PolyPhen-2) suggests that this variant is likely to be disruptive. In summary, the available evidence is currently insufficient to determine the role of this variant in disease. Therefore, it has been classified as a Variant of Uncertain Significance.

NM_212482.4(FN1):c.2397G>C (p.Gln799His)

Gene: FN1 (fibronectin 1; minus strand). Cytogenetic location: 2q35.
Variant type: single nucleotide variant.
Coding change: c.2397G>C on transcript NM_212482.4 (MANE Select); coding-DNA position 2397, G replaced by C.
Protein change: p.Gln799His; replaces glutamine 799 with histidine.
Molecular consequence: missense variant.
Genome position (GRCh38, 1-based): chr2:215,408,329, C>G on the plus strand (G>C on the coding strand, the complement: FN1 is on the minus strand). VCF-style: chr2-215408329-C-G. GRCh37 (hg19) VCF-style: chr2-216273052-C-G.
Other names: c.2397G>C, p.Gln799His (NM_001306129.2, NM_001306130.2, NM_001306131.2 and 13 more transcripts); short protein forms Q799H.
Identifiers: ClinVar variation 2982029 (VCV002982029.3), dbSNP rs2470082882, ClinGen allele CA350491224.